The following is an entry in ClinVar:

ClinVar aggregate classification (germline): Uncertain significance (1 of 4 stars; one submission).

Conditions:
KBG syndrome (KBGS). Also called: ANKRD11-Related KBG Syndrome. Identifiers: Orphanet 2332, MedGen C0220687, MONDO:0007846, OMIM 148050.

Allele frequency attached by ClinVar (database versions not stated): ExAC 0.00001.
gnomAD v4.1: 36 of 1,613,430 alleles (0.0022%); highest among the groups gnomAD compares: Non-Finnish European, 0.0031%; no homozygotes.

Submission:

Victorian Clinical Genetics Services, Murdoch Childrens Research Institute
Classification: Uncertain significance for KBG syndrome. Last evaluated: 2024-10-11. Review status: criteria provided, single submitter. Criteria: ACMG Guidelines, 2015. Collection method: clinical testing. Allele origin: germline. Inheritance: Autosomal dominant inheritance. Affected: yes.
Comment: Based on the classification scheme VCGS_Germline_v1.1.1, this variant is classified as 3C-VUS. Following criteria are met: 0102 - Loss-of-function is a known mechanism of disease for this gene. (N) 0107 - This gene is known to be associated with autosomal dominant disease. (N) 0200 - Variant is predicted to result in a missense amino acid change from a glutamic acid to an aspartic acid (exon 9). (N) 0251 - Variant is heterozygous. (N) 0302 - Variant is present in gnomAD <0.001 for a dominant condition (4 heterozygotes, 0 homozygotes). (P) 0503 - Missense variant consistently predicted to be tolerated and not conserved in mammals with a minor amino acid change. (B) 0504 - Same amino acid change has been observed in mammals. (N) 0604 - Variant is not located in an established domain, motif, hotspot or informative constraint region. (N) 0705 - No comparable variants have previous evidence for pathogenicity. (N) 0807 - Variant has not previously been reported in a clinical context. (N) 0905 - No segregation evidence has been identified for this variant. (N) 1007 - No published functional evidence has been identified for this variant. (N) 1208 - Inheritance information for this variant is not currently available. (N) Legend: (P) - Pathogenic, (N) - Neutral, (B) - Benign

NM_013275.6(ANKRD11):c.2766G>C (p.Glu922Asp)

Gene: ANKRD11 (ankyrin repeat domain 11; minus strand). Cytogenetic location: 16q24.3.
Variant type: single nucleotide variant.
Coding change: c.2766G>C on transcript NM_013275.6 (MANE Select); coding-DNA position 2766, G replaced by C.
Protein change: p.Glu922Asp; replaces glutamic acid 922 with aspartic acid.
Molecular consequence: missense variant.
Genome position (GRCh38, 1-based): chr16:89,283,776, C>G on the plus strand (G>C on the coding strand, the complement: ANKRD11 is on the minus strand). VCF-style: chr16-89283776-C-G. GRCh37 (hg19) VCF-style: chr16-89350184-C-G.
Other names: c.2766G>C, p.Glu922Asp (NM_001256182.2, NM_001256183.2); short protein forms E922D.
Identifiers: ClinVar variation 1806045 (VCV001806045.2), dbSNP rs768801003, ClinGen allele CA8242519.
Genomic context (GRCh38, chr16:89,283,776, plus strand): 5'-TCTCCTCTTCTTGTCCTTTTCCGAAAGGTAGCCAGGGACACTTTTATGCTTTTCGGTCTG[C>G]TCTTTCCTCTTCTCAGAGTTTTTATCCAAATAGTCCCTGTCCTTCTTTCGGAAGAAGGGC-3'
Protein context (NP_037407.4, residues 912-932): YLDKNSEKRK[Glu922Asp]QTEKHKSVPG